The following is an entry in ClinVar:

NM_000138.5(FBN1):c.1693C>G (p.Arg565Gly)

Gene: FBN1 (fibrillin 1; minus strand). Cytogenetic location: 15q21.1.
Variant type: single nucleotide variant.
Coding change: c.1693C>G on transcript NM_000138.5 (MANE Select); coding-DNA position 1693, C replaced by G.
Protein change: p.Arg565Gly; replaces arginine 565 with glycine.
Molecular consequence: missense variant.
Genome position (GRCh38, 1-based): chr15:48,510,065, G>C on the plus strand (C>G on the coding strand, the complement: FBN1 is on the minus strand). VCF-style: chr15-48510065-G-C. GRCh37 (hg19) VCF-style: chr15-48802262-G-C.
Other names: c.1693C>G, p.Arg565Gly (NM_001406716.1); short protein forms R565G.
Identifiers: ClinVar variation 2144409 (VCV002144409.5), dbSNP rs113422242, ClinGen allele CA392340965.
Genomic context (GRCh38, chr15:48,510,065, plus strand): 5'-AATGGAAGGAGAGGACTAACATTAGTATACTATTATTACCTTCACAGTTCTTCCCATCTC[G>C]TGTAACATGAAAGCCCGCATTACACACGCAATGAAAACTGCCATCTGTGTTGATGCAGCG-3'
Protein context (NP_000129.3, residues 555-575): CVCNAGFHVT[Arg565Gly]DGKNCEDMDE

ClinVar aggregate classification (germline): Uncertain significance. Review status: criteria provided, multiple submitters, no conflicts (2 of 4 stars). 3 submissions from 3 submitters: Uncertain significance (3). Last evaluated 2025-09-08.

Conditions:
Familial thoracic aortic aneurysm and aortic dissection (TAAD). Also called: Thoracic aortic aneurysms and dissections. Identifiers: Orphanet 91387, MedGen C4707243, MONDO:0019625.
Marfan syndrome (MFS). Also called: MARFAN SYNDROME, TYPE I; Marfan syndrome type 1; Marfan's syndrome; Marfan syndrome, classic; FBN1-Related Marfan Syndrome. Identifiers: Orphanet 284963, Orphanet 558, MedGen C0024796, MONDO:0007947, OMIM 154700.

Allele frequency attached by ClinVar (database versions not stated): gnomAD exomes 0.00001.
gnomAD v4.1: 8 of 1,613,206 alleles (0.0005%); highest among the groups gnomAD compares: Admixed American, 0.0017%; no homozygotes.

Submissions (3):

Labcorp Genetics (formerly Invitae), Labcorp
Classification: Uncertain significance for Marfan syndrome; Familial thoracic aortic aneurysm and aortic dissection. Last evaluated: 2025-09-08. Review status: criteria provided, single submitter. Criteria: Invitae Variant Classification Sherloc (09022015). Collection method: clinical testing. Allele origin: germline.
Comment: This sequence change replaces arginine, which is basic and polar, with glycine, which is neutral and non-polar, at codon 565 of the FBN1 protein (p.Arg565Gly). This variant is not present in population databases (gnomAD no frequency). This variant has not been reported in the literature in individuals affected with FBN1-related conditions. ClinVar contains an entry for this variant (Variation ID: 2144409). Invitae Evidence Modeling of protein sequence and biophysical properties (such as structural, functional, and spatial information, amino acid conservation, physicochemical variation, residue mobility, and thermodynamic stability) indicates that this missense variant is not expected to disrupt FBN1 protein function with a negative predictive value of 95%. In summary, the available evidence is currently insufficient to determine the role of this variant in disease. Therefore, it has been classified as a Variant of Uncertain Significance.

All of Us Research Program, National Institutes of Health
Classification: Uncertain significance for Marfan syndrome. Last evaluated: 2023-12-18. Review status: criteria provided, single submitter. Criteria: ACMG Guidelines, 2015. Collection method: clinical testing. Allele origin: germline. Inheritance: Autosomal dominant inheritance. Observed: 1 variant allele, 1 heterozygote.
Comment: This missense variant replaces arginine with glycine at codon 565 of the FBN1 protein. Computational prediction tool indicates that this variant may have a neutral impact on protein structure and function. To our knowledge, functional studies have not been reported for this variant. This variant has not been reported in individuals affected with FBN1-related disorders in the literature. This variant has not been identified in the general population by the Genome Aggregation Database (gnomAD). The available evidence is insufficient to determine the role of this variant in disease conclusively. Therefore, this variant is classified as a Variant of Uncertain Significance.

This study involves interpretation of variants in research participants for the purpose of population health screening. Participant phenotype was not available at the time of variant classification. Additional details can be found in publication PMID: 35346344, PMCID: PMC8962531

Color Diagnostics, LLC DBA Color Health
Classification: Uncertain significance for Familial thoracic aortic aneurysm and aortic dissection. Last evaluated: 2023-12-06. Review status: criteria provided, single submitter. Criteria: ACMG Guidelines, 2015. Collection method: clinical testing. Allele origin: germline.
Comment: This missense variant replaces arginine with glycine at codon 565 of the FBN1 protein. Computational prediction tool indicates that this variant may have a neutral impact on protein structure and function. To our knowledge, functional studies have not been reported for this variant. This variant has not been reported in individuals affected with FBN1-related disorders in the literature. This variant has not been identified in the general population by the Genome Aggregation Database (gnomAD). The available evidence is insufficient to determine the role of this variant in disease conclusively. Therefore, this variant is classified as a Variant of Uncertain Significance.